The following is an entry in ClinVar:

ClinVar aggregate classification (germline): Uncertain significance (1 of 4 stars; one submission).

Submission:

Labcorp Genetics (formerly Invitae), Labcorp
Classification: Uncertain significance. Last evaluated: 2022-08-16. Review status: criteria provided, single submitter. Criteria: Invitae Variant Classification Sherloc (09022015). Collection method: clinical testing. Allele origin: germline.
Comment: This variant is a gross deletion of the genomic region encompassing exon(s) 2-4 of the LTBP4 gene. This variant would be expected to be in-frame, preserving the integrity of the reading frame. This variant has not been reported in the literature in individuals affected with LTBP4-related conditions. Experimental studies and prediction algorithms are not available or were not evaluated, and the functional significance of this variant is currently unknown. In summary, the available evidence is currently insufficient to determine the role of this variant in disease. Therefore, it has been classified as a Variant of Uncertain Significance.

NC_000019.9:g.(?_41105083)_(41106103_?)del

Gene: LTBP4 (latent transforming growth factor beta binding protein 4; plus strand). Cytogenetic location: 19q13.2.
Variant type: Deletion.
Identifiers: ClinVar variation 2424704 (VCV002424704.3).